The following is an entry in ClinVar:

NM_004655.4(AXIN2):c.19G>A (p.Val7Met)

Gene: AXIN2 (axin 2; minus strand). Cytogenetic location: 17q24.1.
Variant type: single nucleotide variant.
Coding change: c.19G>A on transcript NM_004655.4 (MANE Select); coding-DNA position 19, G replaced by A.
Protein change: p.Val7Met; replaces valine 7 with methionine.
Molecular consequence: missense variant.
Genome position (GRCh38, 1-based): chr17:65,558,602, C>T on the plus strand (G>A on the coding strand, the complement: AXIN2 is on the minus strand). VCF-style: chr17-65558602-C-T. GRCh37 (hg19) VCF-style: chr17-63554720-C-T.
Other names: c.19G>A (LRG_296t1); c.19G>A, p.Val7Met (NM_001363813.1); short protein forms V7M.
Identifiers: ClinVar variation 240003 (VCV000240003.10), dbSNP rs878854723, ClinGen allele CA10583668.
Genomic context (GRCh38, chr17:65,558,602, plus strand): 5'-GCACTGGGGGCCGCGGGGCATCCTCACGGAAGCTGCTGCTGGGGTCCGGGAGGCAAGTCA[C>T]CAACATAGCGCTACTCATGGTGAGGGAGCTCTTCCCACTGAGTCTGGGAATTTTTCTTCT-3'
Protein context (NP_004646.3, residues 1-17): MSSAML[Val7Met]TCLPDPSSSF

ClinVar aggregate classification (germline): Uncertain significance (1 of 4 stars; one submission).

Conditions:
Oligodontia-cancer predisposition syndrome. Also called: TOOTH AGENESIS-COLORECTAL CANCER SYNDROME. Identifiers: Orphanet 300576, MedGen C1837750, MONDO:0012075, OMIM 608615. Disease mechanism: loss of function.

Allele frequency attached by ClinVar (database versions not stated): gnomAD exomes below 0.00001.

Submission:

Labcorp Genetics (formerly Invitae), Labcorp
Classification: Uncertain significance for Oligodontia-cancer predisposition syndrome. Last evaluated: 2026-01-11. Review status: criteria provided, single submitter. Criteria: Invitae Variant Classification Sherloc (09022015). Collection method: clinical testing. Allele origin: germline.
Comment: This sequence change replaces valine, which is neutral and non-polar, with methionine, which is neutral and non-polar, at codon 7 of the AXIN2 protein (p.Val7Met). This variant is present in population databases (no rsID available, gnomAD 0.0009%). This variant has not been reported in the literature in individuals affected with AXIN2-related conditions. ClinVar contains an entry for this variant (Variation ID: 240003). An algorithm developed to predict the effect of missense changes on protein structure and function (PolyPhen-2) suggests that this variant is likely to be disruptive. In summary, the available evidence is currently insufficient to determine the role of this variant in disease. Therefore, it has been classified as a Variant of Uncertain Significance.